The following is an entry in ClinVar:

ClinVar aggregate classification (germline): Benign (1 of 4 stars; one submission).

gnomAD v4.1: 2,706 of 1,612,094 alleles (0.17%); highest among the groups gnomAD compares: African/African-American, 1%; 40 homozygotes.

Submission:

CeGaT Center for Human Genetics Tuebingen
Classification: Benign. Last evaluated: 2026-03-01. Review status: criteria provided, single submitter. Criteria: CeGaT Center For Human Genetics Tuebingen Variant Classification Criteria Version 2. Collection method: clinical testing. Allele origin: germline. Affected: yes. Observed: 1 variant allele.
Comment: POLR1G: BP4, BP7, BS1, BS2

NM_012099.3(POLR1G):c.210G>A (p.Lys70=)

Genes: ERCC1 (ERCC excision repair 1, endonuclease non-catalytic subunit; minus strand), POLR1G (RNA polymerase I subunit G; plus strand). Cytogenetic location: 19q13.32.
Variant type: single nucleotide variant.
Coding change: c.210G>A on transcript NM_012099.3 (MANE Select); coding-DNA position 210, G replaced by A.
Protein change: p.Lys70=; no amino-acid change (lysine 70 retained).
Molecular consequence: synonymous variant. On other transcripts: 3 prime UTR variant (10).
Genome position (GRCh38, 1-based): chr19:45,408,178, G>A. VCF-style: chr19-45408178-G-A. GRCh37 (hg19) VCF-style: chr19-45911436-G-A.
Other names: c.216G>A, p.Lys72= (NM_001297590.3); c.*1497C>T (NM_001166049.2, NM_001369412.1, NM_001369413.1 and 7 more transcripts).
Identifiers: ClinVar variation 4820966 (VCV004820966.4).